The following is an entry in ClinVar:

ClinVar aggregate classification (germline): Uncertain significance (1 of 4 stars; one submission).

Allele frequency attached by ClinVar (database versions not stated): TOPMed below 0.00001.

Submission:

GeneDx
Classification: Uncertain significance. Last evaluated: 2022-10-09. Review status: criteria provided, single submitter. Criteria: GeneDx Variant Classification Process June 2021. Collection method: clinical testing. Allele origin: germline. Affected: yes.
Comment: Not observed at significant frequency in large population cohorts (gnomAD); In silico analysis supports that this missense variant does not alter protein structure/function; Has not been previously published as pathogenic or benign to our knowledge

NM_016824.5(ADD3):c.1130C>T (p.Thr377Ile)

Gene: ADD3 (adducin 3; plus strand). Cytogenetic location: 10q25.2.
Variant type: single nucleotide variant.
Coding change: c.1130C>T on transcript NM_016824.5 (MANE Select); coding-DNA position 1130, C replaced by T.
Protein change: p.Thr377Ile; replaces threonine 377 with isoleucine.
Molecular consequence: missense variant.
Genome position (GRCh38, 1-based): chr10:110,122,279, C>T. VCF-style: chr10-110122279-C-T. GRCh37 (hg19) VCF-style: chr10-111882037-C-T.
Other names: c.1130C>T, p.Thr377Ile (NM_001121.4, NM_001320591.2, NM_001320592.2 and 2 more transcripts); c.896C>T, p.Thr299Ile (NM_001320594.2); short protein forms T299I, T377I.
Identifiers: ClinVar variation 2497927 (VCV002497927.1), dbSNP rs771820863, ClinGen allele CA213207661.